The following is an entry in ClinVar:

ClinVar aggregate classification (germline): Likely pathogenic (1 of 4 stars; one submission).

Conditions:
Breast-ovarian cancer, familial, susceptibility to, 2 (BROVCA2). Also called: BRCA2 Hereditary Breast and Ovarian Cancer. Identifiers: Orphanet 145, MedGen C2675520, MONDO:0012933, OMIM 612555. Disease mechanism: loss of function.

Submission:

Myriad Genetics, Inc.
Classification: Likely pathogenic for Breast-ovarian cancer, familial, susceptibility to, 2. Last evaluated: 2026-08-10. Review status: criteria provided, single submitter. Criteria: Myriad Autosomal Dominant, Autosomal Recessive and X-Linked Classification Criteria (2023). Collection method: clinical testing. Allele origin: unknown.
Comment: This variant is considered likely pathogenic. This variant creates a frameshift predicted to result in premature protein truncation.

NM_000059.4(BRCA2):c.1910-2_1971dup

Gene: BRCA2 (BRCA2 DNA repair associated; plus strand). Cytogenetic location: 13q13.1.
Variant type: Duplication.
Coding change: c.1910-2_1971dup on transcript NM_000059.4 (MANE Select); the canonical splice acceptor site of the intron before coding-DNA position 1910 through coding-DNA position 1971, 64 bases duplicated.
Molecular consequence: splice acceptor variant. On other transcripts: intron variant (2).
Genome position (GRCh38, 1-based): chr13:32,336,263-32,336,326, 64 bases duplicated. GRCh37 (hg19): chr13:32,910,400-32,910,463.
Other names: c.1910-2_1971dup (NM_001432077.1, NM_001406720.1, NM_001406719.1); c.1909+2876_1909+2939dup (NM_001406721.1); c.424+5233_424+5296dup (NM_001406722.1).
Identifiers: ClinVar variation 5042239 (VCV005042239.1).